The following is an entry in ClinVar:

NM_001332.4(CTNND2):c.2952C>T (p.Ala984=)

Genes: CTNND2 (catenin delta 2; minus strand), LOC126807316 (BRD4-independent group 4 enhancer GRCh37_chr5:11022334-11023533; plus strand). Cytogenetic location: 5p15.2.
Variant type: single nucleotide variant.
Coding change: c.2952C>T on transcript NM_001332.4 (MANE Select); coding-DNA position 2952, C replaced by T.
Protein change: p.Ala984=; no amino-acid change (alanine 984 retained).
Molecular consequence: synonymous variant. On other transcripts: non-coding transcript variant (1).
Genome position (GRCh38, 1-based): chr5:11,022,816, G>A on the plus strand (C>T on the coding strand, the complement: CTNND2 is on the minus strand). VCF-style: chr5-11022816-G-A. GRCh37 (hg19) VCF-style: chr5-11022928-G-A.
Other names: c.2679C>T, p.Ala893= (NM_001288715.1); c.1941C>T, p.Ala647= (NM_001288716.1); c.1653C>T, p.Ala551= (NM_001288717.2); c.2016C>T, p.Ala672= (NM_001364128.2).
Identifiers: ClinVar variation 3025344 (VCV003025344.22), dbSNP rs775381699, ClinGen allele CA3200460.

ClinVar aggregate classification (germline): Likely benign (1 of 4 stars; one submission).

Allele frequency attached by ClinVar (database versions not stated): ExAC 0.00002; gnomAD 0.00003; gnomAD exomes 0.00003; TOPMed 0.00004.
gnomAD v4.1: 53 of 1,614,014 alleles (0.0033%); highest among the groups gnomAD compares: Middle Eastern, 0.033%; no homozygotes.

Submission:

CeGaT Center for Human Genetics Tuebingen
Classification: Likely benign. Last evaluated: 2024-02-01. Review status: criteria provided, single submitter. Criteria: CeGaT Center For Human Genetics Tuebingen Variant Classification Criteria Version 2. Collection method: clinical testing. Allele origin: germline. Affected: yes. Observed: 1 variant allele.
Comment: CTNND2: BP4, BP7